The following is an entry in ClinVar:

ClinVar aggregate classification (germline): Uncertain significance (1 of 4 stars; one submission).

Conditions:
Hereditary cancer-predisposing syndrome. Also called: Hereditary neoplastic syndrome; Neoplastic Syndromes, Hereditary; Tumor predisposition; Hereditary Cancer Syndrome. Identifiers: Orphanet 140162, MedGen C0027672, MeSH D009386, MONDO:0015356.

Submission:

Ambry Genetics
Classification: Uncertain significance for Hereditary cancer-predisposing syndrome. Last evaluated: 2025-07-21. Review status: criteria provided, single submitter. Criteria: Ambry Variant Classification Scheme 2023. Collection method: clinical testing. Allele origin: germline.
Comment: The c.1408+1312T>G intronic variant results from a T to G substitution 1312 nucleotides after coding exon 10 in the APC gene. This nucleotide position is highly conserved in available vertebrate species. In silico splice site analysis predicts that this alteration may result in the creation or strengthening of a novel splice acceptor site; however, direct evidence is insufficient at this time (Ambry internal data). Based on the available evidence, the clinical significance of this variant remains unclear.

NM_000038.6(APC):c.1408+1312T>G

Gene: APC (APC regulator of Wnt signaling pathway; plus strand). Cytogenetic location: 5q22.2.
Variant type: single nucleotide variant.
Coding change: c.1408+1312T>G on transcript NM_000038.6 (MANE Select); 1312 bases into the intron after coding-DNA position 1408, T replaced by G.
Molecular consequence: intron variant.
Genome position (GRCh38, 1-based): chr5:112,823,303, T>G. VCF-style: chr5-112823303-T-G. GRCh37 (hg19) VCF-style: chr5-112159000-T-G.
Other names: c.559+1312T>G (NM_001407470.1, NM_001354906.2); c.256+1312T>G (NM_001407472.1, NM_001407471.1); c.1409-4T>G (NM_001407447.1, NM_001407448.1, NM_001407449.1 and 1 more transcripts); c.1408+1312T>G (NM_001354895.2, NM_001407450.1, NM_001127510.3); c.1106-4T>G (NM_001407456.1, NM_001407457.1, NM_001407455.1 and 1 more transcripts); c.1105+1312T>G (NM_001407460.1, NM_001407458.1, NM_001407459.1 and 1 more transcripts); c.1325-4T>G (NM_001407452.1); c.1021+1312T>G (NM_001407469.1, NM_001407467.1); and 11 more.
Identifiers: ClinVar variation 4121021 (VCV004121021.1).
Genomic context (GRCh38, chr5:112,823,303, plus strand): 5'-ACATTAATCATCTGGATTTCAAAATAAAACCTAGACTCAGTATTTGTTCCTCTTCCTTCT[T>G]CAGGTAGGAAGGCTACCCGGGGCATTTCATCACAGGAGCTAGGGCAGGGGCTTTCAGGTG-3'